The following is an entry in ClinVar:

ClinVar aggregate classification (germline): Uncertain significance. Review status: criteria provided, multiple submitters, no conflicts (2 of 4 stars). 2 submissions from 2 submitters: Uncertain significance (2). Last evaluated 2022-06-13.

Conditions:
Spondyloepiphyseal dysplasia with congenital joint dislocations (SEDCJD). Also called: Chondrodysplasia with Congenital Joint Dislocations, CHST3-Related. Identifiers: Orphanet 263463, MedGen C1837657, MONDO:0007738, OMIM 143095.

gnomAD v4.1: 1 of 1,548,354 alleles (0.000065%); highest among the groups gnomAD compares: Non-Finnish European, 0.000087%; no homozygotes.

Submissions (2):

Labcorp Genetics (formerly Invitae), Labcorp
Classification: Uncertain significance for Spondyloepiphyseal dysplasia with congenital joint dislocations. Last evaluated: 2022-06-13. Review status: criteria provided, single submitter. Criteria: Invitae Variant Classification Sherloc (09022015). Collection method: clinical testing. Allele origin: germline.
Comment: This sequence change replaces arginine, which is basic and polar, with histidine, which is basic and polar, at codon 370 of the CHST3 protein (p.Arg370His). This variant is not present in population databases (gnomAD no frequency). This variant has not been reported in the literature in individuals affected with CHST3-related conditions. Algorithms developed to predict the effect of missense changes on protein structure and function (SIFT, PolyPhen-2, Align-GVGD) all suggest that this variant is likely to be disruptive. In summary, the available evidence is currently insufficient to determine the role of this variant in disease. Therefore, it has been classified as a Variant of Uncertain Significance.

Laboratorio de Genetica e Diagnostico Molecular, Hospital Israelita Albert Einstein
Classification: Uncertain significance for Spondyloepiphyseal dysplasia with congenital joint dislocations. Last evaluated: 2021-09-09. Review status: criteria provided, single submitter. Criteria: ACMG Guidelines, 2015. Collection method: clinical testing. Allele origin: germline. Affected: yes.
Comment: ACMG classification criteria: PM2 moderate, PP3 supporting

NM_004273.5(CHST3):c.1109G>A (p.Arg370His)

Gene: CHST3 (carbohydrate sulfotransferase 3; plus strand). Cytogenetic location: 10q22.1.
Variant type: single nucleotide variant.
Coding change: c.1109G>A on transcript NM_004273.5 (MANE Select); coding-DNA position 1109, G replaced by A.
Protein change: p.Arg370His; replaces arginine 370 with histidine.
Molecular consequence: missense variant.
Genome position (GRCh38, 1-based): chr10:72,008,140, G>A. VCF-style: chr10-72008140-G-A. GRCh37 (hg19) VCF-style: chr10-73767898-G-A.
Other names: short protein forms R370H.
Identifiers: ClinVar variation 1421512 (VCV001421512.7), dbSNP rs1355385307, ClinGen allele CA377150946.